The following is an entry in ClinVar:

NM_181552.4(CUX1):c.2276C>G (p.Pro759Arg)

Gene: CUX1 (cut like homeobox 1; plus strand). Cytogenetic location: 7q22.1.
Variant type: single nucleotide variant.
Coding change: c.2276C>G on transcript NM_181552.4 (MANE Select); coding-DNA position 2276, C replaced by G.
Protein change: p.Pro759Arg; replaces proline 759 with arginine.
Molecular consequence: missense variant. On other transcripts: intron variant (5).
Genome position (GRCh38, 1-based): chr7:102,201,573, C>G. VCF-style: chr7-102201573-C-G. GRCh37 (hg19) VCF-style: chr7-101844853-C-G.
Other names: c.2309C>G, p.Pro770Arg (NM_001202543.2); c.1255+5970C>G (NM_001913.5); c.1249+5970C>G (NM_181500.4); c.1117+5970C>G (NM_001202545.3); c.1207+5970C>G (NM_001202544.3); c.1138+5970C>G (NM_001202546.3); short protein forms P759R, P770R.
Identifiers: ClinVar variation 5041823 (VCV005041823.1).
Genomic context (GRCh38, chr7:102,201,573, plus strand): 5'-CCATCCTCACCCCCAAGCTTCTGTCCACCTCGCCCATGCCCACCGTGTCCAGCTACCCAC[C>G]TCTCGCCATCTCCCTGAAGAAGCCCTCCGCAGCTCCTGAGGCCGGTGCCTCTGCTCTGCC-3'
Protein context (NP_853530.2, residues 749-769): SPMPTVSSYP[Pro759Arg]LAISLKKPSA

ClinVar aggregate classification (germline): Uncertain significance (1 of 4 stars; one submission).

gnomAD v4.1: 2 of 1,614,160 alleles (0.00012%); highest among the groups gnomAD compares: Non-Finnish European, 0.00017%; no homozygotes.

Submission:

CeGaT Center for Human Genetics Tuebingen
Classification: Uncertain significance. Last evaluated: 2026-09-01. Review status: criteria provided, single submitter. Criteria: CeGaT Center For Human Genetics Tuebingen Variant Classification Criteria Version 2. Collection method: clinical testing. Allele origin: germline. Affected: yes. Observed: 1 variant allele.
Comment: CUX1: PM2, BP4